The following is an entry in ClinVar:

NM_004415.4(DSP):c.5689A>G (p.Ser1897Gly)

Gene: DSP (desmoplakin; plus strand). Cytogenetic location: 6p24.3.
Variant type: single nucleotide variant.
Coding change: c.5689A>G on transcript NM_004415.4 (MANE Select); coding-DNA position 5689, A replaced by G.
Protein change: p.Ser1897Gly; replaces serine 1897 with glycine.
Molecular consequence: missense variant.
Genome position (GRCh38, 1-based): chr6:7,582,951, A>G. VCF-style: chr6-7582951-A-G. GRCh37 (hg19) VCF-style: chr6-7583184-A-G.
Other names: p.Ser1897Gly; c.3892A>G, p.Ser1298Gly (NM_001008844.3); c.4360A>G, p.Ser1454Gly (NM_001319034.2); short protein forms S1298G, S1897G, S1454G.
Identifiers: ClinVar variation 3842709 (VCV003842709.2).

ClinVar aggregate classification (germline): Uncertain significance. Review status: criteria provided, multiple submitters, no conflicts (2 of 4 stars). 2 submissions from 2 submitters: Uncertain significance (2). Last evaluated 2025-07-10.

Conditions:
Cardiovascular phenotype. Identifiers: MedGen CN230736.

gnomAD v4.1: 1 of 1,614,122 alleles (0.000062%); highest among the groups gnomAD compares: Non-Finnish European, 0.000085%; no homozygotes.

Submissions (2):

Mayo Clinic Laboratories, Mayo Clinic
Classification: Uncertain significance. Last evaluated: 2025-07-10. Review status: criteria provided, single submitter. Criteria: ACMG Guidelines, 2015. Collection method: clinical testing. Allele origin: germline. Observed: 1 variant allele.
Comment: BP4_moderate, PM2_supporting

Ambry Genetics
Classification: Uncertain significance for Cardiovascular phenotype. Last evaluated: 2025-02-06. Review status: criteria provided, single submitter. Criteria: Ambry Variant Classification Scheme 2023. Collection method: clinical testing. Allele origin: germline.